The following is an entry in ClinVar:

Conditions:
Long QT syndrome 5 (LQT5). Identifiers: Orphanet 101016, Orphanet 768, MedGen C1867904, MONDO:0013372, OMIM 613695.

Submission:

Roden Lab, Vanderbilt University Medical Center
No classification provided (evidence only). Condition: Long QT syndrome 5. Review status: no classification provided. Collection method: in vitro. Allele origin: not applicable. Functional consequence: Effect on ion channel function.
ClinVar note: "not provided" was previously submitted as the classification for the variant. However, the classification appeared to be based only on an observation of functional data so it was converted to no classification on 2025-07-30.

NM_000219.6(KCNE1):c.151C>A (p.Leu51Met)

Gene: KCNE1 (potassium voltage-gated channel subfamily E regulatory subunit 1; minus strand). Cytogenetic location: 21q22.12.
Variant type: single nucleotide variant.
Coding change: c.151C>A on transcript NM_000219.6 (MANE Select); coding-DNA position 151, C replaced by A.
Protein change: p.Leu51Met; replaces leucine 51 with methionine.
Molecular consequence: missense variant.
Genome position (GRCh38, 1-based): chr21:34,449,484, G>T on the plus strand (C>A on the coding strand, the complement: KCNE1 is on the minus strand). VCF-style: chr21-34449484-G-T. GRCh37 (hg19) VCF-style: chr21-35821782-G-T.
Other names: c.151C>A, p.Leu51Met (NM_001127668.4, NM_001127669.4, NM_001127670.4 and 4 more transcripts); short protein forms L51M.
Identifiers: ClinVar variation 3374179 (VCV003374179.2).